The following is an entry in ClinVar:

ClinVar aggregate classification (germline): Uncertain significance (1 of 4 stars; one submission).

Submission:

Labcorp Genetics (formerly Invitae), Labcorp
Classification: Uncertain significance. Last evaluated: 2025-11-23. Review status: criteria provided, single submitter. Criteria: Invitae Variant Classification Sherloc (09022015). Collection method: clinical testing. Allele origin: germline.
Comment: This sequence change replaces glutamine, which is neutral and polar, with glutamic acid, which is acidic and polar, at codon 102 of the ZIC4 protein (p.Gln102Glu). This variant is not present in population databases (gnomAD no frequency). This variant has not been reported in the literature in individuals affected with ZIC4-related conditions. An algorithm developed to predict the effect of missense changes on protein structure and function (PolyPhen-2) suggests that this variant is likely to be tolerated. In summary, the available evidence is currently insufficient to determine the role of this variant in disease. Therefore, it has been classified as a Variant of Uncertain Significance.

NM_032153.6(ZIC4):c.154C>G (p.Gln52Glu)

Gene: ZIC4 (Zic family zinc finger 4; minus strand). Cytogenetic location: 3q24.
Variant type: single nucleotide variant.
Coding change: c.154C>G on transcript NM_032153.6 (MANE Select); coding-DNA position 154, C replaced by G.
Protein change: p.Gln52Glu; replaces glutamine 52 with glutamic acid.
Molecular consequence: missense variant. On other transcripts: intron variant (1).
Genome position (GRCh38, 1-based): chr3:147,396,386, G>C on the plus strand (C>G on the coding strand, the complement: ZIC4 is on the minus strand). VCF-style: chr3-147396386-G-C. GRCh37 (hg19) VCF-style: chr3-147114173-G-C.
Other names: c.304C>G, p.Gln102Glu (NM_001168378.1); c.268C>G, p.Gln90Glu (NM_001168379.2); c.71-5140C>G (NM_001243256.2); short protein forms Q52E, Q90E, Q102E.
Identifiers: ClinVar variation 4731383 (VCV004731383.1).
Genomic context (GRCh38, chr3:147,396,386, plus strand): 5'-ACATGTCTCCAGGGAGCCCCAGACGCAGGAGTCCATTCAAAGGACGGCTGGGGGAGGCCT[G>C]GGGAGGCTCCTCGTGGAGGCCCGGGAACACCGAGGGGCTGGAGGCGGCGGTGAGCTGGGG-3'
Protein context (NP_115529.2, residues 42-62): VFPGLHEEPP[Gln52Glu]ASPSRPLNGL